The following is an entry in ClinVar:

NM_015335.5(MED13L):c.5950C>T (p.Gln1984Ter)

Gene: MED13L (mediator complex subunit 13L; minus strand). Cytogenetic location: 12q24.21.
Variant type: single nucleotide variant.
Coding change: c.5950C>T on transcript NM_015335.5 (MANE Select); coding-DNA position 5950, C replaced by T.
Protein change: p.Gln1984Ter; replaces glutamine 1984 with a stop codon.
Molecular consequence: nonsense.
Genome position (GRCh38, 1-based): chr12:115,970,711, G>A on the plus strand (C>T on the coding strand, the complement: MED13L is on the minus strand). VCF-style: chr12-115970711-G-A. GRCh37 (hg19) VCF-style: chr12-116408516-G-A.
Other names: short protein forms Q1984*.
Identifiers: ClinVar variation 3059583 (VCV003059583.2), dbSNP rs1876522232, ClinGen allele CA386876445.

ClinVar aggregate classification (germline): Likely pathogenic (0 of 4 stars; one submission).

Conditions:
MED13L-related disorder. Also called: MED13L-related condition.

Submission:

PreventionGenetics, part of Exact Sciences
Classification: Likely pathogenic for MED13L-related condition. Last evaluated: 2023-11-22. Review status: no assertion criteria provided. Collection method: clinical testing. Allele origin: germline.
Comment: The MED13L c.5950C>T variant is predicted to result in premature protein termination (p.Gln1984*). To our knowledge, this variant has not been reported in the literature or in a large population database, indicating this variant is rare. Nonsense variants in MED13L are expected to be pathogenic. This variant is interpreted as likely pathogenic.